The following is an entry in ClinVar:

ClinVar aggregate classification (germline): Benign/Likely benign. Review status: criteria provided, multiple submitters, no conflicts (2 of 4 stars). 6 submissions from 6 submitters: Benign (1); Likely benign (4). 1 of the submissions does not count toward it. Last evaluated 2025-10-02.

Conditions:
Inborn genetic diseases. Identifiers: MedGen C0950123, MeSH D030342.
HUWE1-related disorder. Also called: HUWE1-related condition.
Intellectual developmental disorder, X-linked, syndromic, Turner type. Also called: Intellectual disability, X-linked syndromic, Turner type; X-linked intellectual disability, Turner type. Identifiers: Orphanet 3056, Orphanet 85328, MedGen C2678046, MONDO:0010407, OMIM 309590.

Allele frequency attached by ClinVar (database versions not stated): ESP Exome Variant Server 0.00009; gnomAD exomes 0.00010 and 0.00029; ExAC 0.00012; TOPMed 0.00014; gnomAD 0.00015.
gnomAD v4.1: 322 of 1,209,664 alleles (0.027%); highest among the groups gnomAD compares: Non-Finnish European, 0.035%; no homozygotes.

Submissions (6):

Labcorp Genetics (formerly Invitae), Labcorp
Classification: Benign. Last evaluated: 2025-10-02. Review status: criteria provided, single submitter. Criteria: Invitae Variant Classification Sherloc (09022015). Collection method: clinical testing. Allele origin: germline.

CeGaT Center for Human Genetics Tuebingen
Classification: Likely benign. Last evaluated: 2023-10-01. Review status: criteria provided, single submitter. Criteria: CeGaT Center For Human Genetics Tuebingen Variant Classification Criteria Version 2. Collection method: clinical testing. Allele origin: germline. Affected: yes. Observed: 1 variant allele.
Comment: HUWE1: BS2

Ambry Genetics
Classification: Likely benign for Inborn genetic diseases. Last evaluated: 2022-02-17. Review status: criteria provided, single submitter. Criteria: Ambry Variant Classification Scheme 2023. Collection method: clinical testing. Allele origin: germline.

Department of Pathology and Laboratory Medicine, Sinai Health System
Classification: Likely benign for Intellectual developmental disorder, X-linked, syndromic, Turner type. Last evaluated: 2021-07-30. Review status: criteria provided, single submitter. Criteria: ACMG Guidelines, 2015. Collection method: research. Allele origin: germline.

Genomic Diagnostic Laboratory, Division of Genomic Diagnostics, Children's Hospital of Philadelphia
Classification: Likely benign. Last evaluated: 2015-09-28. Review status: criteria provided, single submitter. Criteria: DGD Variant Analysis Guidelines. Collection method: clinical testing. Allele origin: unknown.

PreventionGenetics, part of Exact Sciences
Classification: Likely benign for HUWE1-related condition. Last evaluated: 2019-08-28. Review status: no assertion criteria provided. Collection method: clinical testing. Allele origin: germline. Not counted in ClinVar's aggregate classification.
Comment: This variant is classified as likely benign based on ACMG/AMP sequence variant interpretation guidelines (Richards et al. 2015 PMID: 25741868, with internal and published modifications).

NM_031407.7(HUWE1):c.5642A>G (p.Asn1881Ser)

Gene: HUWE1 (HECT, UBA and WWE domain containing E3 ubiquitin protein ligase 1; minus strand). Cytogenetic location: Xp11.22.
Variant type: single nucleotide variant.
Coding change: c.5642A>G on transcript NM_031407.7 (MANE Select); coding-DNA position 5642, A replaced by G.
Protein change: p.Asn1881Ser; replaces asparagine 1881 with serine.
Molecular consequence: missense variant.
Genome position (GRCh38, 1-based): chrX:53,580,905, T>C on the plus strand (A>G on the coding strand, the complement: HUWE1 is on the minus strand). VCF-style: chrX-53580905-T-C. GRCh37 (hg19) VCF-style: chrX-53607865-T-C.
Other names: c.5642A>G (NM_031407.4, NM_031407.6); short protein forms N1881S.
Identifiers: ClinVar variation 252752 (VCV000252752.33), dbSNP rs201965065, ClinGen allele CA10422237.
Genomic context (GRCh38, chrX:53,580,905, plus strand): 5'-CGAGGGGCAGGAAGGGCGATGCGGATACAGCAGTTGGCCACTTCTGTGAATATGTCTGGA[T>C]TGCGGCATGCGGCTGGCCCAAGGACACGAAGGATGTAGTTGATCTCCCGAGAGCCGAGGC-3'
Protein context (NP_113584.3, residues 1871-1891): LRVLGPAACR[Asn1881Ser]PDIFTEVANC